The following is an entry in ClinVar:

NM_017780.4(CHD7):c.7505T>C (p.Leu2502Pro)

Gene: CHD7 (chromodomain helicase DNA binding protein 7; plus strand). Cytogenetic location: 8q12.2.
Variant type: single nucleotide variant.
Coding change: c.7505T>C on transcript NM_017780.4 (MANE Select); coding-DNA position 7505, T replaced by C.
Protein change: p.Leu2502Pro; replaces leucine 2502 with proline.
Molecular consequence: missense variant. On other transcripts: intron variant (1).
Genome position (GRCh38, 1-based): chr8:60,856,785, T>C. VCF-style: chr8-60856785-T-C. GRCh37 (hg19) VCF-style: chr8-61769344-T-C.
Other names: c.1717-5444T>C (NM_001316690.1); short protein forms L2502P.
Identifiers: ClinVar variation 4705682 (VCV004705682.1).

ClinVar aggregate classification (germline): Uncertain significance (1 of 4 stars; one submission).

Conditions:
CHARGE syndrome (CHARGE). Also called: Hittner Hirsch Kreh syndrome; CHARGE ASSOCIATION--COLOBOMA, HEART ANOMALY, CHOANAL ATRESIA, RETARDATION, GENITAL AND EAR ANOMALIES; Coloboma, heart anomaly, choanal atresia, retardation, genital and ear anomalies; CHARGE association; Hall-Hittner syndrome. Identifiers: Orphanet 138, MedGen C0265354, MONDO:0008965.

gnomAD v4.1: 2 of 1,611,796 alleles (0.00012%); highest among the groups gnomAD compares: Non-Finnish European, 0.00017%; no homozygotes.

Submission:

Labcorp Genetics (formerly Invitae), Labcorp
Classification: Uncertain significance for CHARGE syndrome. Last evaluated: 2025-12-15. Review status: criteria provided, single submitter. Criteria: Invitae Variant Classification Sherloc (09022015). Collection method: clinical testing. Allele origin: germline.
Comment: This sequence change replaces leucine, which is neutral and non-polar, with proline, which is neutral and non-polar, at codon 2502 of the CHD7 protein (p.Leu2502Pro). This variant is not present in population databases (gnomAD no frequency). This variant has not been reported in the literature in individuals affected with CHD7-related conditions. Invitae Evidence Modeling of protein sequence and biophysical properties (such as structural, functional, and spatial information, amino acid conservation, physicochemical variation, residue mobility, and thermodynamic stability) indicates that this missense variant is not expected to disrupt CHD7 protein function with a negative predictive value of 80%. In summary, the available evidence is currently insufficient to determine the role of this variant in disease. Therefore, it has been classified as a Variant of Uncertain Significance.